The following is an entry in ClinVar:

ClinVar aggregate classification (germline): Pathogenic. Review status: criteria provided, multiple submitters, no conflicts (2 of 4 stars). 2 submissions from 2 submitters: Pathogenic (2). Last evaluated 2023-02-01.

Conditions:
High myopia, early-onset. Identifiers: MedGen C5394216.
Cohen syndrome (COH1). Also called: Cutis verticis gyrata, retinitis pigmentosa, and sensorineural deafness; PEPPER SYNDROME. Identifiers: Orphanet 193, MedGen C0265223, MONDO:0008999, OMIM 216550.
Myopia 25, autosomal dominant (MYP25). Identifiers: MedGen C4310655, MONDO:0014982, OMIM 617238.

Submissions (2):

Ophthalmic Genetics and Bioinformatics Laboratory, Shanghai Puxi and Light Genomics Technology Co., Ltd.
Classification: Pathogenic for Cohen syndrome; High myopia, early-onset. Last evaluated: 2023-02-01. Review status: criteria provided, single submitter. Criteria: Standards And Guidelines For The Interpretation Of Sequence Variants. Collection method: clinical testing. Allele origin: paternal. Affected: yes.

Ningxia Clinical Research Institute, People's Hospital of Ningxia Hui Autonomous Region
Classification: Pathogenic for Myopia 25, autosomal dominant. Review status: criteria provided, single submitter. Criteria: ACMG Guidelines, 2015. Collection method: clinical testing. Allele origin: inherited. Inheritance: Autosomal recessive inheritance. Affected: yes. Observed: 1 compound heterozygote.
Comment: ACMG guidelines: 1. 2. Both variants are absent from ExAC_EAS and other population databases (PM2_Moderate). 3. Bioinformatic algorithms predict both variants to be damaging (PP3_Supporting). 4. Cross-species conservation analysis shows that amino-acid positions 852 is highly conserved, suggesting that the variants are likely to impair VPS13B protein structure and function (PP3_Supporting). According to the ACMG guidelines, compound-heterozygous VPS13B variants c.2555C>G (p.Ser852Ter) was classified as Pathogenic

NM_152564.5(VPS13B):c.2555C>G (p.Ser852Ter)

Gene: VPS13B (vacuolar protein sorting 13 homolog B; plus strand). Cytogenetic location: 8q22.2.
Variant type: single nucleotide variant.
Coding change: c.2555C>G on transcript NM_152564.5 (MANE Select); coding-DNA position 2555, C replaced by G.
Protein change: p.Ser852Ter; replaces serine 852 with a stop codon.
Molecular consequence: nonsense.
Genome position (GRCh38, 1-based): chr8:99,274,237, C>G. VCF-style: chr8-99274237-C-G. GRCh37 (hg19) VCF-style: chr8-100286465-C-G.
Other names: c.2555C>G, p.Ser852Ter (NM_017890.5); short protein forms S852*.
Identifiers: ClinVar variation 4082196 (VCV004082196.2).